The following is an entry in ClinVar:

ClinVar aggregate classification (germline): Pathogenic (1 of 4 stars; one submission).

Submission:

Labcorp Genetics (formerly Invitae), Labcorp
Classification: Pathogenic. Last evaluated: 2024-01-06. Review status: criteria provided, single submitter. Criteria: Invitae Variant Classification Sherloc (09022015). Collection method: clinical testing. Allele origin: unknown.
Comment: This variant is a gross deletion of the genomic region encompassing exon(s) 5 of the TBCE gene. This deletion is out-of-frame, and is expected to create a premature termination codon and result in an absent or disrupted protein product. Loss-of-function variants in TBCE are known to be pathogenic (PMID: 27666369, 34134906, 34356170). This variant has not been reported in the literature in individuals affected with TBCE-related conditions. For these reasons, this variant has been classified as Pathogenic.

Literature cited by the submitters: PubMed 27666369; PubMed 34134906; PubMed 34356170.

NC_000001.10:g.(?_235582768)_(235582896_?)del

Gene: TBCE (tubulin folding cofactor E; plus strand). Cytogenetic location: 1q42.3.
Variant type: Deletion.
Identifiers: ClinVar variation 3247950 (VCV003247950.1).